The following is an entry in ClinVar:

NM_032242.4(PLXNA1):c.2606T>C (p.Leu869Pro)

Gene: PLXNA1 (plexin A1; plus strand). Cytogenetic location: 3q21.3.
Variant type: single nucleotide variant.
Coding change: c.2606T>C on transcript NM_032242.4 (MANE Select); coding-DNA position 2606, T replaced by C.
Protein change: p.Leu869Pro; replaces leucine 869 with proline.
Molecular consequence: missense variant.
Genome position (GRCh38, 1-based): chr3:127,014,479, T>C. VCF-style: chr3-127014479-T-C. GRCh37 (hg19) VCF-style: chr3-126733322-T-C.
Other names: short protein forms L869P.
Identifiers: ClinVar variation 3349972 (VCV003349972.1).

ClinVar aggregate classification (germline): Uncertain significance (0 of 4 stars; one submission).

Conditions:
PLXNA1-related disorder. Also called: PLXNA1-related condition.

Submission:

PreventionGenetics, part of Exact Sciences
Classification: Uncertain significance for PLXNA1-related condition. Last evaluated: 2024-01-31. Review status: no assertion criteria provided. Collection method: clinical testing. Allele origin: germline.
Comment: The PLXNA1 c.2606T>C variant is predicted to result in the amino acid substitution p.Leu869Pro. To our knowledge, this variant has not been reported in the literature or in a large population database, indicating this variant is rare. At this time, the clinical significance of this variant is uncertain due to the absence of conclusive functional and genetic evidence.